The following is an entry in ClinVar:

NM_032043.3(BRIP1):c.3579A>G (p.Thr1193=)

Gene: BRIP1 (BRCA1 interacting DNA helicase 1; minus strand). Cytogenetic location: 17q23.2.
Variant type: single nucleotide variant.
Coding change: c.3579A>G on transcript NM_032043.3 (MANE Select); coding-DNA position 3579, A replaced by G.
Protein change: p.Thr1193=; no amino-acid change (threonine 1193 retained).
Molecular consequence: synonymous variant.
Genome position (GRCh38, 1-based): chr17:61,683,467, T>C on the plus strand (A>G on the coding strand, the complement: BRIP1 is on the minus strand). VCF-style: chr17-61683467-T-C. GRCh37 (hg19) VCF-style: chr17-59760828-T-C.
Identifiers: ClinVar variation 414685 (VCV000414685.17), dbSNP rs1060504331, ClinGen allele CA16615480.
Genomic context (GRCh38, chr17:61,683,467, plus strand): 5'-TACATTACCATCAATGTCATCAATTTTACTTTCTTCAATATGCAGAATTCCATTCAACTT[T>C]GTATCTATGCAATCCTCAGCTTTCACTTCTCTGGCTGAATCTACTTCTTTTATAGTTCTA-3'
Protein context (NP_114432.2, residues 1183-1203): REVKAEDCID[Thr1193=]KLNGILHIEE

ClinVar aggregate classification (germline): Benign/Likely benign. Review status: criteria provided, multiple submitters, no conflicts (2 of 4 stars). 3 submissions from 3 submitters: Benign (1); Likely benign (2). Last evaluated 2024-09-10.

Conditions:
Fanconi anemia complementation group J. Also called: BRIP1-Related Fanconi Anemia. Identifiers: Orphanet 84, MedGen C1836860, MONDO:0012187, OMIM 609054.
Familial cancer of breast. Also called: Hereditary breast cancer; BREAST CANCER, FAMILIAL; hereditary breast carcinoma. Identifiers: Orphanet 227535, MedGen C0346153, MONDO:0016419, OMIM 114480. Disease mechanism: loss of function.
Hereditary cancer-predisposing syndrome. Also called: Tumor predisposition; Neoplastic Syndromes, Hereditary; Hereditary Cancer Syndrome; Hereditary neoplastic syndrome. Identifiers: Orphanet 140162, MedGen C0027672, MeSH D009386, MONDO:0015356.

Submissions (3):

Myriad Genetics, Inc.
Classification: Benign for Familial cancer of breast. Last evaluated: 2024-09-10. Review status: criteria provided, single submitter. Criteria: Myriad Autosomal Dominant, Autosomal Recessive and X-Linked Classification Criteria (2023). Collection method: clinical testing. Allele origin: unknown.
Comment: This variant is considered benign. This variant is a silent/synonymous amino acid change and it is not expected to impact splicing.

Labcorp Genetics (formerly Invitae), Labcorp
Classification: Likely benign for Familial cancer of breast; Fanconi anemia complementation group J. Last evaluated: 2022-09-01. Review status: criteria provided, single submitter. Criteria: Invitae Variant Classification Sherloc (09022015). Collection method: clinical testing. Allele origin: germline.

Ambry Genetics
Classification: Likely benign for Hereditary cancer-predisposing syndrome. Last evaluated: 2016-02-08. Review status: criteria provided, single submitter. Criteria: Ambry Variant Classification Scheme 2023. Collection method: clinical testing. Allele origin: germline.